The following is an entry in ClinVar:

NM_032387.5(WNK4):c.643C>T (p.Arg215Trp)

Gene: WNK4 (WNK lysine deficient protein kinase 4; plus strand). Cytogenetic location: 17q21.2.
Variant type: single nucleotide variant.
Coding change: c.643C>T on transcript NM_032387.5 (MANE Select); coding-DNA position 643, C replaced by T.
Protein change: p.Arg215Trp; replaces arginine 215 with tryptophan.
Molecular consequence: missense variant. On other transcripts: 5 prime UTR variant (1).
Genome position (GRCh38, 1-based): chr17:42,782,782, C>T. VCF-style: chr17-42782782-C-T. GRCh37 (hg19) VCF-style: chr17-40934800-C-T.
Other names: c.-277C>T (NM_001321299.2); short protein forms R215W.
Identifiers: ClinVar variation 891518 (VCV000891518.9), dbSNP rs758123242, ClinGen allele CA8583732.
Genomic context (GRCh38, chr17:42,782,782, plus strand): 5'-CTGGGCCTGACATGACACCCGTCCCCCATCCCACAGACTCGGAAACTGTCTAGAGCTGAG[C>T]GGCAGCGCTTCTCAGAGGAGGTGGAGATGCTCAAGGGGCTGCAGCACCCCAACATCGTCC-3'
Protein context (NP_115763.2, residues 205-225): LQTRKLSRAE[Arg215Trp]QRFSEEVEML

ClinVar aggregate classification (germline): Uncertain significance. Review status: criteria provided, multiple submitters, no conflicts (2 of 4 stars). 4 submissions from 4 submitters: Uncertain significance (4). Last evaluated 2024-11-08.

Conditions:
Pseudohypoaldosteronism type 2B (PHA2B). Also called: Pseudohypoaldosteronism Type IIB. Identifiers: Orphanet 757, Orphanet 88939, MedGen C1840390, MONDO:0013777, OMIM 614491.
Inborn genetic diseases. Identifiers: MedGen C0950123, MeSH D030342.

Allele frequency attached by ClinVar (database versions not stated): gnomAD 0.00001; TOPMed 0.00001; ExAC 0.00002; gnomAD exomes 0.00004.

Submissions (4):

Ambry Genetics
Classification: Uncertain significance for Inborn genetic diseases. Last evaluated: 2024-11-08. Review status: criteria provided, single submitter. Criteria: Ambry Variant Classification Scheme 2023. Collection method: clinical testing. Allele origin: germline.

Labcorp Genetics (formerly Invitae), Labcorp
Classification: Uncertain significance. Last evaluated: 2023-10-09. Review status: criteria provided, single submitter. Criteria: Invitae Variant Classification Sherloc (09022015). Collection method: clinical testing. Allele origin: germline.
Comment: This sequence change replaces arginine, which is basic and polar, with tryptophan, which is neutral and slightly polar, at codon 215 of the WNK4 protein (p.Arg215Trp). This variant is present in population databases (rs758123242, gnomAD 0.01%). This variant has not been reported in the literature in individuals affected with WNK4-related conditions. ClinVar contains an entry for this variant (Variation ID: 891518). Advanced modeling of protein sequence and biophysical properties (such as structural, functional, and spatial information, amino acid conservation, physicochemical variation, residue mobility, and thermodynamic stability) performed at Invitae indicates that this missense variant is not expected to disrupt WNK4 protein function. In summary, the available evidence is currently insufficient to determine the role of this variant in disease. Therefore, it has been classified as a Variant of Uncertain Significance.

Fulgent Genetics
Classification: Uncertain significance for Pseudohypoaldosteronism type 2B. Last evaluated: 2022-04-24. Review status: criteria provided, single submitter. Criteria: ACMG Guidelines, 2015. Collection method: clinical testing. Allele origin: unknown.

Illumina Laboratory Services, Illumina
Classification: Uncertain significance for Pseudohypoaldosteronism type 2B. Last evaluated: 2018-01-12. Review status: criteria provided, single submitter. Criteria: ICSL Variant Classification Criteria 13 December 2019. Collection method: clinical testing. Allele origin: germline.